The following is an entry in ClinVar:

NM_001846.4(COL4A2):c.4984C>T (p.Arg1662Cys)

Gene: COL4A2 (collagen type IV alpha 2 chain; plus strand). Cytogenetic location: 13q34.
Variant type: single nucleotide variant.
Coding change: c.4984C>T on transcript NM_001846.4 (MANE Select); coding-DNA position 4984, C replaced by T.
Protein change: p.Arg1662Cys; replaces arginine 1662 with cysteine.
Molecular consequence: missense variant.
Genome position (GRCh38, 1-based): chr13:110,512,036, C>T. VCF-style: chr13-110512036-C-T. GRCh37 (hg19) VCF-style: chr13-111164383-C-T.
Other names: c.4984C>T (NM_001846.3); short protein forms R1662C.
Identifiers: ClinVar variation 2188699 (VCV002188699.5), dbSNP rs746842146, ClinGen allele CA7050730.

ClinVar aggregate classification (germline): Uncertain significance. Review status: criteria provided, multiple submitters, no conflicts (2 of 4 stars). 2 submissions from 2 submitters: Uncertain significance (2). Last evaluated 2025-06-04.

Conditions:
COL4A2-related disorder. Also called: COL4A2-related disorders; COL4A2-related condition.

Allele frequency attached by ClinVar (database versions not stated): gnomAD 0.00001; TOPMed 0.00001; gnomAD exomes 0.00003.
gnomAD v4.1: 50 of 1,613,368 alleles (0.0031%); highest among the groups gnomAD compares: Non-Finnish European, 0.0036%; no homozygotes.

Submissions (2):

PreventionGenetics, part of Exact Sciences
Classification: Uncertain significance for COL4A2-related condition. Last evaluated: 2025-06-04. Review status: criteria provided, single submitter. Criteria: ACMG Guidelines, 2015. Collection method: clinical testing. Allele origin: germline.
Comment: The COL4A2 c.4984C>T variant is predicted to result in the amino acid substitution p.Arg1662Cys. To our knowledge, this variant has not been reported in the literature. This variant is reported in 0.0040% of alleles in individuals of European (Finnish) descent in gnomAD. At this time, the clinical significance of this variant is uncertain due to the absence of conclusive functional and genetic evidence.

Labcorp Genetics (formerly Invitae), Labcorp
Classification: Uncertain significance. Last evaluated: 2024-05-27. Review status: criteria provided, single submitter. Criteria: Invitae Variant Classification Sherloc (09022015). Collection method: clinical testing. Allele origin: germline.
Comment: This sequence change replaces arginine, which is basic and polar, with cysteine, which is neutral and slightly polar, at codon 1662 of the COL4A2 protein (p.Arg1662Cys). This variant is present in population databases (rs746842146, gnomAD 0.008%). This variant has not been reported in the literature in individuals affected with COL4A2-related conditions. ClinVar contains an entry for this variant (Variation ID: 2188699). Advanced modeling of protein sequence and biophysical properties (such as structural, functional, and spatial information, amino acid conservation, physicochemical variation, residue mobility, and thermodynamic stability) has been performed at Invitae for this missense variant, however the output from this modeling did not meet the statistical confidence thresholds required to predict the impact of this variant on COL4A2 protein function. In summary, the available evidence is currently insufficient to determine the role of this variant in disease. Therefore, it has been classified as a Variant of Uncertain Significance.